The following is an entry in ClinVar:

NM_004517.4(ILK):c.136C>T (p.Arg46Cys)

Genes: ILK (integrin linked kinase; plus strand), TAF10 (TATA-box binding protein associated factor 10; minus strand). Cytogenetic location: 11p15.4.
Variant type: single nucleotide variant.
Coding change: c.136C>T on transcript NM_004517.4 (MANE Select); coding-DNA position 136, C replaced by T.
Protein change: p.Arg46Cys; replaces arginine 46 with cysteine.
Molecular consequence: missense variant. On other transcripts: 3 prime UTR variant (1), intron variant (1).
Genome position (GRCh38, 1-based): chr11:6,608,092, C>T. VCF-style: chr11-6608092-C-T. GRCh37 (hg19) VCF-style: chr11-6629322-C-T.
Other names: c.136C>T, p.Arg46Cys (NM_001014794.3, NM_001014795.3, NM_001278441.2); c.*2830G>A (NM_006284.4); c.-147-302C>T (NM_001278442.2); short protein forms R46C.
Identifiers: ClinVar variation 1771012 (VCV001771012.8), dbSNP rs976603626, ClinGen allele CA217313219.

ClinVar aggregate classification (germline): Uncertain significance. Review status: criteria provided, multiple submitters, no conflicts (2 of 4 stars). 2 submissions from 2 submitters: Uncertain significance (2). Last evaluated 2023-07-24.

Conditions:
Primary familial hypertrophic cardiomyopathy (HCM). Identifiers: Orphanet 99739, MedGen C0949658, MeSH D024741, MONDO:0024573. Inheritance: Various modes of inheritance.

Allele frequency attached by ClinVar (database versions not stated): gnomAD exomes 0.00001; TOPMed 0.00002.
gnomAD v4.1: 8 of 1,614,152 alleles (0.0005%); highest among the groups gnomAD compares: Admixed American, 0.0017%; no homozygotes.

Submissions (2):

Ambry Genetics
Classification: Uncertain significance. Last evaluated: 2023-07-24. Review status: criteria provided, single submitter. Criteria: Ambry Variant Classification Scheme 2023. Collection method: clinical testing. Allele origin: germline.
Comment: The p.R46C variant (also known as c.136C>T), located in coding exon 2 of the ILK gene, results from a C to T substitution at nucleotide position 136. The arginine at codon 46 is replaced by cysteine, an amino acid with highly dissimilar properties. This amino acid position is conserved. In addition, this alteration is predicted to be deleterious by in silico analysis. Since supporting evidence is limited at this time, the clinical significance of this alteration remains unclear.

Labcorp Genetics (formerly Invitae), Labcorp
Classification: Uncertain significance for Primary familial hypertrophic cardiomyopathy. Last evaluated: 2022-10-24. Review status: criteria provided, single submitter. Criteria: Invitae Variant Classification Sherloc (09022015). Collection method: clinical testing. Allele origin: germline.
Comment: This sequence change replaces arginine, which is basic and polar, with cysteine, which is neutral and slightly polar, at codon 46 of the ILK protein (p.Arg46Cys). In summary, the available evidence is currently insufficient to determine the role of this variant in disease. Therefore, it has been classified as a Variant of Uncertain Significance. Algorithms developed to predict the effect of missense changes on protein structure and function are either unavailable or do not agree on the potential impact of this missense change (SIFT: "Deleterious"; PolyPhen-2: "Benign"; Align-GVGD: "Class C65"). This variant has not been reported in the literature in individuals affected with ILK-related conditions. This variant is present in population databases (no rsID available, gnomAD 0.003%).